The following is an entry in ClinVar:

NM_015631.6(TCTN3):c.821C>G (p.Ala274Gly)

Gene: TCTN3 (tectonic family member 3; minus strand). Cytogenetic location: 10q24.1.
Variant type: single nucleotide variant.
Coding change: c.821C>G on transcript NM_015631.6 (MANE Select); coding-DNA position 821, C replaced by G.
Protein change: p.Ala274Gly; replaces alanine 274 with glycine.
Molecular consequence: missense variant.
Genome position (GRCh38, 1-based): chr10:95,687,075, G>C on the plus strand (C>G on the coding strand, the complement: TCTN3 is on the minus strand). VCF-style: chr10-95687075-G-C. GRCh37 (hg19) VCF-style: chr10-97446832-G-C.
Other names: c.584C>G, p.Ala195Gly (NM_001143973.2); short protein forms A274G, A195G.
Identifiers: ClinVar variation 1396297 (VCV001396297.3), dbSNP rs377047502, ClinGen allele CA5621057.
Genomic context (GRCh38, chr10:95,687,075, plus strand): 5'-GACAGTGTAGGGAGAGAAAGGACACCTACCTTTAAGACTGTGAAGTTATAGTAAGAGGCA[G>C]CATTGAGGGCTGAATCCAAGGTACAGCTACTAGCCAGGTTCTTGAAAAAACGAGTGCAAG-3'
Protein context (NP_056446.4, residues 264-284): SSCTLDSALN[Ala274Gly]ASYYNFTVLK

ClinVar aggregate classification (germline): Uncertain significance (1 of 4 stars; one submission).

Conditions:
Joubert syndrome 18 (JBTS18). Identifiers: Orphanet 2754, MedGen C3553758, MONDO:0013896, OMIM 614815.
Orofacial-digital syndrome IV (OFD4). Also called: BARAITSER-BURN SYNDROME; MOHR-MAJEWSKI SYNDROME; OFD SYNDROME WITH TIBIAL DEFECTS; OFD SYNDROME, BARAITSER-BURN TYPE; OFDS IV; ORAL-FACIAL-DIGITAL SYNDROME, TYPE IV. Identifiers: Orphanet 2753, MedGen C0406727, MONDO:0009794, OMIM 258860.

Allele frequency attached by ClinVar (database versions not stated): ExAC 0.00004; TOPMed 0.00013; gnomAD 0.00014 and 0.00015; ESP Exome Variant Server 0.00015; 1000 Genomes Project 30x 0.00016; 1000 Genomes Project 0.00020.
gnomAD v4.1: 51 of 1,614,066 alleles (0.0032%); highest among the groups gnomAD compares: African/African-American, 0.067%; no homozygotes.

Submission:

Labcorp Genetics (formerly Invitae), Labcorp
Classification: Uncertain significance for Joubert syndrome 18; Orofacial-digital syndrome IV. Last evaluated: 2022-10-13. Review status: criteria provided, single submitter. Criteria: Invitae Variant Classification Sherloc (09022015). Collection method: clinical testing. Allele origin: germline.
Comment: This sequence change replaces alanine, which is neutral and non-polar, with glycine, which is neutral and non-polar, at codon 274 of the TCTN3 protein (p.Ala274Gly). This variant is present in population databases (rs377047502, gnomAD 0.07%). This variant has not been reported in the literature in individuals affected with TCTN3-related conditions. ClinVar contains an entry for this variant (Variation ID: 1396297). Advanced modeling of protein sequence and biophysical properties (such as structural, functional, and spatial information, amino acid conservation, physicochemical variation, residue mobility, and thermodynamic stability) has been performed at Invitae for this missense variant, however the output from this modeling did not meet the statistical confidence thresholds required to predict the impact of this variant on TCTN3 protein function. In summary, the available evidence is currently insufficient to determine the role of this variant in disease. Therefore, it has been classified as a Variant of Uncertain Significance.